The following is an entry in ClinVar:

NM_001267550.2(TTN):c.44913+1G>T

Gene: TTN (titin; minus strand). Cytogenetic location: 2q31.2.
Variant type: single nucleotide variant.
Coding change: c.44913+1G>T on transcript NM_001267550.2 (MANE Select); the canonical splice donor site of the intron after coding-DNA position 44913, G replaced by T.
Molecular consequence: splice donor variant.
Genome position (GRCh38, 1-based): chr2:178,622,669, C>A on the plus strand (G>T on the coding strand, the complement: TTN is on the minus strand). VCF-style: chr2-178622669-C-A. GRCh37 (hg19) VCF-style: chr2-179487396-C-A.
Other names: c.17718+1G>T (NM_003319.4); c.18294+1G>T (NM_133437.4); c.18093+1G>T (NM_133432.3); c.37209+1G>T (NM_133378.4); c.39990+1G>T (NM_001256850.1).
Identifiers: ClinVar variation 535047 (VCV000535047.8), dbSNP rs1553721106, ClinGen allele CA349638533.

ClinVar aggregate classification (germline): Likely pathogenic. Review status: criteria provided, multiple submitters, no conflicts (2 of 4 stars). 2 submissions from 2 submitters: Likely pathogenic (2). Last evaluated 2025-03-26.

Conditions:
Autosomal recessive limb-girdle muscular dystrophy type 2J (LGMDR10). Also called: Limb-girdle muscular dystrophy, type 2J; MUSCULAR DYSTROPHY, LIMB-GIRDLE, AUTOSOMAL RECESSIVE 10. Identifiers: Orphanet 140922, MedGen C1837342, MONDO:0012127, OMIM 608807.
Dilated cardiomyopathy 1G (CMD1G). Identifiers: Orphanet 154, MedGen C1858763, MONDO:0011400, OMIM 604145.
Cardiovascular phenotype. Identifiers: MedGen CN230736.

Allele frequency attached by ClinVar (database versions not stated): gnomAD exomes below 0.00001.
gnomAD v4.1: 2 of 1,602,124 alleles (0.00012%); highest among the groups gnomAD compares: Non-Finnish European, 0.00017%; no homozygotes.

Submissions (2):

Ambry Genetics
Classification: Likely pathogenic for Cardiovascular phenotype. Last evaluated: 2025-03-26. Review status: criteria provided, single submitter. Criteria: Ambry Variant Classification Scheme 2023. Collection method: clinical testing. Allele origin: germline.
Comment: The c.17718+1G>T intronic variant results from a G to T substitution one nucleotide after coding exon 70 of the TTN gene. This exon is located in the I-band region of the N2-B isoform of the titin protein and is constitutively expressed in TTN transcripts (percent spliced in or PSI 100%). This variant is considered to be rare based on population cohorts in the Genome Aggregation Database (gnomAD). This nucleotide position is highly conserved in available vertebrate species. In silico splice site analysis predicts that this alteration will weaken the native splice donor site and may result in the creation or strengthening of a novel splice donor site. This variant disrupts the canonical splice site and is expected to cause aberrant splicing, resulting in an abnormal protein or a transcript that is subject to nonsense-mediated mRNA decay. While loss of function variants in TTN are present in 1-3% of the general population, truncating variants (a category that includes canonical splice site variants) in the A-band are the most common cause of dilated cardiomyopathy (DCM) (Herman DS et al. N. Engl. J. Med., 2012 Feb;366:619-28; Roberts AM et al. Sci Transl Med, 2015 Jan;7:270ra6). TTN truncating variants encoded in constitutive exons (PSI >90%) have been found to be significantly associated with DCM regardless of their position in titin (Schafer S et al. Nat. Genet., 2017 01;49:46-53; Akhtar MM et al. Circ Heart Fail, 2020 Oct;13:e006832; Massier M et al. Clin Genet, 2025 Jan). Based on the majority of available evidence to date, this variant is likely to be pathogenic.

Labcorp Genetics (formerly Invitae), Labcorp
Classification: Likely pathogenic for Dilated cardiomyopathy 1G; Autosomal recessive limb-girdle muscular dystrophy type 2J. Last evaluated: 2024-10-28. Review status: criteria provided, single submitter. Criteria: Invitae Variant Classification Sherloc (09022015). Collection method: clinical testing. Allele origin: germline.
Comment: This sequence change affects a donor splice site in intron 243 of the TTN gene. It is expected to disrupt RNA splicing and likely results in a truncated or disrupted TTN protein. This variant is not present in population databases (gnomAD no frequency). This variant has not been reported in the literature in individuals affected with TTN-related conditions. ClinVar contains an entry for this variant (Variation ID: 535047). Algorithms developed to predict the effect of sequence changes on RNA splicing suggest that this variant may disrupt the consensus splice site. This variant is located in the I band of TTN (PMID: 25589632). Truncating variants in this region have been reported in individuals affected with autosomal recessive centronuclear myopathy (PMID: 23975875, internal data). Truncating variants in this region have also been identified in individuals affected with autosomal dominant dilated cardiomyopathy and/or cardio-related conditions (PMID: 27869827, 32964742, internal data). In summary, the currently available evidence indicates that the variant is pathogenic, but additional data are needed to prove that conclusively. Therefore, this variant has been classified as Likely Pathogenic.

Literature cited by the submitters: PubMed 25589632 (cited by Labcorp Genetics (formerly Invitae), Labcorp); PubMed 23975875 (cited by Labcorp Genetics (formerly Invitae), Labcorp); PubMed 27869827 (cited by Labcorp Genetics (formerly Invitae), Labcorp); PubMed 32964742 (cited by Labcorp Genetics (formerly Invitae), Labcorp).